The following is an entry in ClinVar:

NM_001267550.2(TTN):c.38875G>T (p.Val12959Leu)

Gene: TTN (titin; minus strand). Cytogenetic location: 2q31.2.
Variant type: single nucleotide variant.
Coding change: c.38875G>T on transcript NM_001267550.2 (MANE Select); coding-DNA position 38875, G replaced by T.
Protein change: p.Val12959Leu; replaces valine 12959 with leucine.
Molecular consequence: missense variant. On other transcripts: intron variant (5).
Genome position (GRCh38, 1-based): chr2:178,653,041, C>A on the plus strand (G>T on the coding strand, the complement: TTN is on the minus strand). VCF-style: chr2-178653041-C-A. GRCh37 (hg19) VCF-style: chr2-179517768-C-A.
Other names: c.13283-10724G>T (NM_003319.4); c.13859-10724G>T (NM_133437.4); c.13658-10724G>T (NM_133432.3); c.31742-500G>T (NM_133378.4); c.34523-500G>T (NM_001256850.1); short protein forms V12959L.
Identifiers: ClinVar variation 2927893 (VCV002927893.3), dbSNP rs752793817, ClinGen allele CA349466000.

ClinVar aggregate classification (germline): Uncertain significance (1 of 4 stars; one submission).

Conditions:
Dilated cardiomyopathy 1G (CMD1G). Identifiers: Orphanet 154, MedGen C1858763, MONDO:0011400, OMIM 604145.
Autosomal recessive limb-girdle muscular dystrophy type 2J (LGMDR10). Also called: Limb-girdle muscular dystrophy, type 2J; MUSCULAR DYSTROPHY, LIMB-GIRDLE, AUTOSOMAL RECESSIVE 10. Identifiers: Orphanet 140922, MedGen C1837342, MONDO:0012127, OMIM 608807.

gnomAD v4.1: 7 of 1,613,140 alleles (0.00043%); highest among the groups gnomAD compares: Non-Finnish European, 0.00051%; no homozygotes.

Submission:

Labcorp Genetics (formerly Invitae), Labcorp
Classification: Uncertain significance for Dilated cardiomyopathy 1G; Autosomal recessive limb-girdle muscular dystrophy type 2J. Last evaluated: 2024-11-03. Review status: criteria provided, single submitter. Criteria: Invitae Variant Classification Sherloc (09022015). Collection method: clinical testing. Allele origin: germline.
Comment: This sequence change replaces valine, which is neutral and non-polar, with leucine, which is neutral and non-polar, at codon 12959 of the TTN protein (p.Val12959Leu). This variant also falls at the last nucleotide of exon 199, which is part of the consensus splice site for this exon. This variant is not present in population databases (gnomAD no frequency). This variant has not been reported in the literature in individuals affected with TTN-related conditions. ClinVar contains an entry for this variant (Variation ID: 2927893). Experimental studies and prediction algorithms are not available or were not evaluated, and the functional significance of this variant is currently unknown. Variants that disrupt the consensus splice site are a relatively common cause of aberrant splicing (PMID: 17576681, 9536098). Algorithms developed to predict the effect of sequence changes on RNA splicing suggest that this variant may disrupt the consensus splice site. In summary, the available evidence is currently insufficient to determine the role of this variant in disease. Therefore, it has been classified as a Variant of Uncertain Significance.

Literature cited by the submitters: PubMed 17576681; PubMed 9536098.